The following is an entry in ClinVar:

NM_001267550.2(TTN):c.25398T>A (p.Asp8466Glu)

Gene: TTN (titin; minus strand). Cytogenetic location: 2q31.2.
Variant type: single nucleotide variant.
Coding change: c.25398T>A on transcript NM_001267550.2 (MANE Select); coding-DNA position 25398, T replaced by A.
Protein change: p.Asp8466Glu; replaces aspartic acid 8466 with glutamic acid.
Molecular consequence: missense variant. On other transcripts: intron variant (3).
Genome position (GRCh38, 1-based): chr2:178,717,336, A>T on the plus strand (T>A on the coding strand, the complement: TTN is on the minus strand). VCF-style: chr2-178717336-A-T. GRCh37 (hg19) VCF-style: chr2-179582063-A-T.
Other names: p.D8149E:GAT>GAA; c.24447T>A, p.Asp8149Glu (NM_001256850.1); c.21666T>A, p.Asp7222Glu (NM_133378.4); c.13282+20746T>A (NM_003319.4); c.13858+20746T>A (NM_133437.4); c.13657+20746T>A (NM_133432.3); c.25398T>A (NM_001267550.1); short protein forms D8466E, D7222E, D8149E.
Identifiers: ClinVar variation 46758 (VCV000046758.57), dbSNP rs72648986, ClinGen allele CA282939.

ClinVar aggregate classification (germline): Benign/Likely benign. Review status: criteria provided, multiple submitters, no conflicts (2 of 4 stars). 29 submissions from 22 submitters: Benign (21); Likely benign (3). 5 of the submissions do not count toward it. Last evaluated 2026-02-04.

Conditions:
Cardiovascular phenotype. Identifiers: MedGen CN230736.
Dilated cardiomyopathy 1G (CMD1G). Identifiers: Orphanet 154, MedGen C1858763, MONDO:0011400, OMIM 604145.
Autosomal recessive limb-girdle muscular dystrophy type 2J (LGMDR10). Also called: MUSCULAR DYSTROPHY, LIMB-GIRDLE, AUTOSOMAL RECESSIVE 10; Limb-girdle muscular dystrophy, type 2J. Identifiers: Orphanet 140922, MedGen C1837342, MONDO:0012127, OMIM 608807.
Cardiomyopathy (CMYO). Also called: Cardiomyopathies. Identifiers: Orphanet 167848, MedGen C0878544, MONDO:0004994, HP:0001638. Inheritance: Various modes of inheritance.
Early-onset myopathy with fatal cardiomyopathy (CMYO5). Also called: CONGENITAL MYOPATHY 5 WITH CARDIOMYOPATHY; Salih Myopathy. Identifiers: Orphanet 289377, MedGen C2673677, MONDO:0012714, OMIM 611705. Disease mechanism: loss of function.
Myopathy, myofibrillar, 9, with early respiratory failure (MFM9). Also called: Myopathy, distal, with early respiratory failure, autosomal dominant; Hereditary myopathy with early respiratory failure; MYOPATHY, PROXIMAL, WITH EARLY RESPIRATORY MUSCLE INVOLVEMENT; EDSTROM MYOPATHY. Identifiers: Orphanet 178464, Orphanet 34521, MedGen C1863599, MONDO:0011362, OMIM 603689.
Tibial muscular dystrophy (TMD). Also called: Udd Distal Myopathy – Tibial Muscular Dystrophy; Tibial muscular dystrophy, tardive; UDD MYOPATHY. Identifiers: Orphanet 609, MedGen C1838244, MONDO:0010870, OMIM 600334.

Allele frequency attached by ClinVar (database versions not stated): 1000 Genomes Project 0.02875; ESP Exome Variant Server 0.02358; gnomAD exomes 0.00459 and 0.00956; gnomAD 0.02419 and 0.02522; TOPMed 0.02660; ExAC 0.01122; 1000 Genomes Project 30x 0.02951.
gnomAD v4.1: 10,652 of 1,613,454 alleles (0.66%); highest among the groups gnomAD compares: African/African-American, 7.6%; 319 homozygotes.

Submissions (29):

Labcorp Genetics (formerly Invitae), Labcorp
Classification: Benign for Dilated cardiomyopathy 1G; Autosomal recessive limb-girdle muscular dystrophy type 2J. Last evaluated: 2026-02-04. Review status: criteria provided, single submitter. Criteria: Invitae Variant Classification Sherloc (09022015). Collection method: clinical testing. Allele origin: germline.

ARUP Laboratories, Molecular Genetics and Genomics, ARUP Laboratories
Classification: Benign. Last evaluated: 2025-07-01. Review status: criteria provided, single submitter. Criteria: ARUP Molecular Germline Variant Investigation Process 2024. Collection method: clinical testing. Allele origin: germline.

Molecular Diagnostic Laboratory for Inherited Cardiovascular Disease, Montreal Heart Institute
Classification: Benign. Last evaluated: 2025-04-09. Review status: criteria provided, single submitter. Criteria: ACMG Guidelines, 2015. Collection method: clinical testing. Allele origin: germline. Affected: no.

Women's Health and Genetics/Laboratory Corporation of America, LabCorp
Classification: Likely benign. Last evaluated: 2024-03-28. Review status: criteria provided, single submitter. Criteria: LabCorp Variant Classification Summary - May 2015. Collection method: clinical testing. Allele origin: germline.

Athena Diagnostics
Classification: Benign. Last evaluated: 2023-10-17. Review status: criteria provided, single submitter. Criteria: Athena Diagnostics Criteria. Collection method: clinical testing. Allele origin: unknown.

CHEO Genetics Diagnostic Laboratory, Children's Hospital of Eastern Ontario
Classification: Benign for Cardiomyopathy. Last evaluated: 2022-11-18. Review status: criteria provided, single submitter. Criteria: ACMG Guidelines, 2015. Collection method: clinical testing. Allele origin: germline.

Genome-Nilou Lab
Classification: Benign for Autosomal recessive limb-girdle muscular dystrophy type 2J. Last evaluated: 2021-09-10. Review status: criteria provided, single submitter. Criteria: ACMG Guidelines, 2015. Collection method: clinical testing. Allele origin: germline. Affected: no.

Genome-Nilou Lab
Classification: Benign for Myopathy, myofibrillar, 9, with early respiratory failure. Last evaluated: 2021-09-10. Review status: criteria provided, single submitter. Criteria: ACMG Guidelines, 2015. Collection method: clinical testing. Allele origin: germline. Affected: no.

Genome-Nilou Lab
Classification: Benign for Early-onset myopathy with fatal cardiomyopathy. Last evaluated: 2021-09-10. Review status: criteria provided, single submitter. Criteria: ACMG Guidelines, 2015. Collection method: clinical testing. Allele origin: germline. Affected: no.

Genome-Nilou Lab
Classification: Benign for Tibial muscular dystrophy. Last evaluated: 2021-09-10. Review status: criteria provided, single submitter. Criteria: ACMG Guidelines, 2015. Collection method: clinical testing. Allele origin: germline. Affected: no.

Mayo Clinic Laboratories, Mayo Clinic
Classification: Benign. Last evaluated: 2018-05-09. Review status: criteria provided, single submitter. Criteria: ACMG Guidelines, 2015. Collection method: clinical testing. Allele origin: germline. Observed: 42 variant alleles.

Illumina Laboratory Services, Illumina
Classification: Benign for Early-onset myopathy with fatal cardiomyopathy. Last evaluated: 2018-01-12. Review status: criteria provided, single submitter. Criteria: ICSL Variant Classification Criteria 13 December 2019. Collection method: clinical testing. Allele origin: germline.
Comment: This variant was observed in the ICSL laboratory as part of a predisposition screen in an ostensibly healthy population. It had not been previously curated by ICSL or reported in the Human Gene Mutation Database (HGMD: prior to June 1st, 2018), and was therefore a candidate for classification through an automated scoring system. Utilizing variant allele frequency, disease prevalence and penetrance estimates, and inheritance mode, an automated score was calculated to assess if this variant is too frequent to cause the disease. Based on the score and internal cut-off values, a variant classified as benign is not then subjected to further curation. The score for this variant resulted in a classification of benign for this disease.

Illumina Laboratory Services, Illumina
Classification: Likely benign for Dilated cardiomyopathy 1G. Last evaluated: 2018-01-12. Review status: criteria provided, single submitter. Criteria: ICSL Variant Classification Criteria 13 December 2019. Collection method: clinical testing. Allele origin: germline.
Comment: This variant was observed in the ICSL laboratory as part of a predisposition screen in an ostensibly healthy population. It had not been previously curated by ICSL or reported in the Human Gene Mutation Database (HGMD: prior to June 1st, 2018), and was therefore a candidate for classification through an automated scoring system. Utilizing variant allele frequency, disease prevalence and penetrance estimates, and inheritance mode, an automated score was calculated to assess if this variant is too frequent to cause the disease. Based on the score and internal cut-off values, a variant classified as likely benign is not then subjected to further curation. The score for this variant resulted in a classification of likely benign for this disease.

Illumina Laboratory Services, Illumina
Classification: Benign for Autosomal recessive limb-girdle muscular dystrophy type 2J. Last evaluated: 2018-01-12. Review status: criteria provided, single submitter. Criteria: ICSL Variant Classification Criteria 13 December 2019. Collection method: clinical testing. Allele origin: germline.
Comment: the same text as in the submission from Illumina Laboratory Services, Illumina above.

Illumina Laboratory Services, Illumina
Classification: Benign for Myopathy, myofibrillar, 9, with early respiratory failure. Last evaluated: 2018-01-12. Review status: criteria provided, single submitter. Criteria: ICSL Variant Classification Criteria 13 December 2019. Collection method: clinical testing. Allele origin: germline.
Comment: the same text as in the submission from Illumina Laboratory Services, Illumina above.

Illumina Laboratory Services, Illumina
Classification: Benign for Tibial muscular dystrophy. Last evaluated: 2018-01-12. Review status: criteria provided, single submitter. Criteria: ICSL Variant Classification Criteria 13 December 2019. Collection method: clinical testing. Allele origin: germline.
Comment: the same text as in the submission from Illumina Laboratory Services, Illumina above.

Eurofins Ntd Llc (ga)
Classification: Benign. Last evaluated: 2013-10-18. Review status: criteria provided, single submitter. Criteria: EGL Classification Definitions 2015. Collection method: clinical testing. Allele origin: germline. Observed: 2 variant alleles, 1 heterozygote, 1 homozygote.

Genetic Services Laboratory, University of Chicago
Classification: Benign for AllHighlyPenetrant. Last evaluated: 2013-08-15. Review status: criteria provided, single submitter. Criteria: ACMG Guidelines, 2007. Collection method: clinical testing. Allele origin: germline.

Biesecker Lab/Clinical Genomics Section, National Institutes of Health
Classification: Benign. Last evaluated: 2013-06-24. Review status: criteria provided, single submitter. Criteria: Ng et al. (Circ Cardiovasc Genet. 2013). Collection method: research. Allele origin: unknown. Observed: 14 variant alleles. Study: ClinSeq.
Comment: The study set was not selected for affection status in relation to any cancer. Pathogenicity categories were based on literature curation. See Pubmed ID:23861362 for details.

Medical sequencing

Ambry Genetics
Classification: Benign for Cardiovascular phenotype. Last evaluated: 2012-12-14. Review status: criteria provided, single submitter. Criteria: Ambry Autosomal Dominant and X-Linked criteria (10/2015). Collection method: clinical testing. Allele origin: germline. Observed: 1 variant allele.

GeneDx
Classification: Benign. Last evaluated: 2012-12-06. Review status: criteria provided, single submitter. Criteria: GeneDx Variant Classification (06012015). Collection method: clinical testing. Allele origin: germline. Affected: yes.
Comment: This variant is considered likely benign or benign based on one or more of the following criteria: it is a conservative change, it occurs at a poorly conserved position in the protein, it is predicted to be benign by multiple in silico algorithms, and/or has population frequency not consistent with disease.

Laboratory for Molecular Medicine, Mass General Brigham Personalized Medicine
Classification: Benign. Last evaluated: 2012-03-01. Review status: criteria provided, single submitter. Criteria: LMM Criteria. Collection method: clinical testing. Allele origin: germline. Observed: 56 variant alleles.
Comment: Asp7222Glu in exon 85 of TTN: This variant is not expected to have clinical sign ificance because it has been identified in 6.8% (207/3054) of African American c hromosomes from a broad population by the NHLBI Exome Sequencing Project (dbSNP rs72648986).

Breakthrough Genomics
Classification: Likely benign. Review status: criteria provided, single submitter. Criteria: ACMG Guidelines, 2015. Collection method: not provided. Allele origin: germline. Inheritance: Autosomal recessive inheritance. Affected: yes.

PreventionGenetics, part of Exact Sciences
Classification: Benign. Review status: criteria provided, single submitter. Criteria: ACMG Guidelines, 2015. Collection method: clinical testing. Allele origin: germline.

Clinical Genetics DNA and cytogenetics Diagnostics Lab, Erasmus MC, Erasmus Medical Center
Classification: Benign. Review status: no assertion criteria provided. Collection method: clinical testing. Allele origin: germline. Affected: yes. Study: VKGL Data-share Consensus. Not counted in ClinVar's aggregate classification.

Clinical Genetics, Academic Medical Center
Classification: Benign. Review status: no assertion criteria provided. Collection method: clinical testing. Allele origin: germline. Affected: yes. Study: VKGL Data-share Consensus. Not counted in ClinVar's aggregate classification.

Diagnostic Laboratory, Department of Genetics, University Medical Center Groningen
Classification: Likely benign. Review status: no assertion criteria provided. Collection method: clinical testing. Allele origin: germline. Affected: yes. Study: VKGL Data-share Consensus. Not counted in ClinVar's aggregate classification.

Joint Genome Diagnostic Labs from Nijmegen and Maastricht, Radboudumc and MUMC+
Classification: Benign. Review status: no assertion criteria provided. Collection method: clinical testing. Allele origin: germline. Affected: yes. Study: VKGL Data-share Consensus. Not counted in ClinVar's aggregate classification.

Laboratory of Diagnostic Genome Analysis, Leiden University Medical Center (LUMC)
Classification: Likely benign. Review status: no assertion criteria provided. Collection method: clinical testing. Allele origin: germline. Affected: yes. Study: VKGL Data-share Consensus. Not counted in ClinVar's aggregate classification.